The following is an entry in ClinVar:

ClinVar aggregate classification (germline): Likely benign. Review status: criteria provided, multiple submitters, no conflicts (2 of 4 stars). 2 submissions from 2 submitters: Likely benign (2). Last evaluated 2025-09-24.

Conditions:
CACNB2-related disorder. Also called: CACNB2-related condition.

Allele frequency attached by ClinVar (database versions not stated): gnomAD 0.00008 and 0.00007; ExAC 0.00012; TOPMed 0.00006; gnomAD exomes 0.00011 and 0.00007.
gnomAD v4.1: 172 of 1,604,084 alleles (0.011%); highest among the groups gnomAD compares: Non-Finnish European, 0.013%; no homozygotes.

Submissions (2):

PreventionGenetics, part of Exact Sciences
Classification: Likely benign for CACNB2-related condition. Last evaluated: 2025-09-24. Review status: criteria provided, single submitter. Criteria: ACMG Guidelines, 2015. Collection method: clinical testing. Allele origin: germline.
Comment: This variant is classified as likely benign based on ACMG/AMP sequence variant interpretation guidelines (Richards et al. 2015 PMID: 25741868, with internal and published modifications).

GeneDx
Classification: Likely benign. Last evaluated: 2016-01-27. Review status: criteria provided, single submitter. Criteria: GeneDx Variant Classification (06012015). Collection method: clinical testing. Allele origin: germline. Affected: yes.
Comment: This variant is considered likely benign or benign based on one or more of the following criteria: it is a conservative change, it occurs at a poorly conserved position in the protein, it is predicted to be benign by multiple in silico algorithms, and/or has population frequency not consistent with disease.

NM_201596.3(CACNB2):c.87G>T (p.Val29=)

Gene: CACNB2 (calcium voltage-gated channel auxiliary subunit beta 2; plus strand). Cytogenetic location: 10p12.33.
Variant type: single nucleotide variant.
Coding change: c.87G>T on transcript NM_201596.3 (MANE Select); coding-DNA position 87, G replaced by T.
Protein change: p.Val29=; no amino-acid change (valine 29 retained).
Molecular consequence: synonymous variant. On other transcripts: 5 prime UTR variant (3).
Genome position (GRCh38, 1-based): chr10:18,140,823, G>T. VCF-style: chr10-18140823-G-T. GRCh37 (hg19) VCF-style: chr10-18429752-G-T.
Other names: c.-357G>T (NM_001167945.2, NM_201571.4, NM_201572.4); c.87G>T, p.Val29= (NM_201593.3, NM_201597.3).
Identifiers: ClinVar variation 383389 (VCV000383389.4), dbSNP rs758806288, ClinGen allele CA5429342.